The following is an entry in ClinVar:

ClinVar aggregate classification (germline): Uncertain significance (1 of 4 stars; one submission).

Conditions:
Primary ciliary dyskinesia. Also called: Ciliary dyskinesia. Identifiers: Orphanet 244, MedGen C0008780, MONDO:0016575, HP:0012265.

Submission:

Labcorp Genetics (formerly Invitae), Labcorp
Classification: Uncertain significance for Primary ciliary dyskinesia. Last evaluated: 2022-05-12. Review status: criteria provided, single submitter. Criteria: Invitae Variant Classification Sherloc (09022015). Collection method: clinical testing. Allele origin: germline.
Comment: Algorithms developed to predict the effect of missense changes on protein structure and function (SIFT, PolyPhen-2, Align-GVGD) all suggest that this variant is likely to be tolerated. In summary, the available evidence is currently insufficient to determine the role of this variant in disease. Therefore, it has been classified as a Variant of Uncertain Significance. ClinVar contains an entry for this variant (Variation ID: 1057461). This variant has not been reported in the literature in individuals affected with DNAI1-related conditions. This variant is not present in population databases (gnomAD no frequency). This sequence change replaces arginine, which is basic and polar, with lysine, which is basic and polar, at codon 186 of the DNAI1 protein (p.Arg186Lys).

NM_012144.4(DNAI1):c.557G>A (p.Arg186Lys)

Gene: DNAI1 (dynein axonemal intermediate chain 1; plus strand). Cytogenetic location: 9p13.3.
Variant type: single nucleotide variant.
Coding change: c.557G>A on transcript NM_012144.4 (MANE Select); coding-DNA position 557, G replaced by A.
Protein change: p.Arg186Lys; replaces arginine 186 with lysine.
Molecular consequence: missense variant.
Genome position (GRCh38, 1-based): chr9:34,490,424, G>A. VCF-style: chr9-34490424-G-A. GRCh37 (hg19) VCF-style: chr9-34490422-G-A.
Other names: c.569G>A, p.Arg190Lys (NM_001281428.2); short protein forms R186K, R190K.
Identifiers: ClinVar variation 1057461 (VCV001057461.9), dbSNP rs1178602656, ClinGen allele CA373246893.